The following is an entry in ClinVar:

NM_014989.7(RIMS1):c.1408C>T (p.Leu470Phe)

Gene: RIMS1 (regulating synaptic membrane exocytosis 1; plus strand). Cytogenetic location: 6q13.
Variant type: single nucleotide variant.
Coding change: c.1408C>T on transcript NM_014989.7 (MANE Select); coding-DNA position 1408, C replaced by T.
Protein change: p.Leu470Phe; replaces leucine 470 with phenylalanine.
Molecular consequence: missense variant.
Genome position (GRCh38, 1-based): chr6:72,182,879, C>T. VCF-style: chr6-72182879-C-T. GRCh37 (hg19) VCF-style: chr6-72892582-C-T.
Other names: short protein forms L470F.
Identifiers: ClinVar variation 1436514 (VCV001436514.8), dbSNP rs771801671, ClinGen allele CA3885696.
Genomic context (GRCh38, chr6:72,182,879, plus strand): 5'-CCGGCGCCCAGACATGGGCCGGTTCCCGCAGAAGCCCCGGAGCTCAAAGCCCAGGAGCCC[C>T]TCAGGAAGCAGAGCCGCCTGGACCCCAGCTCGGCGGTCCTCATGCGGAAGGCCAAGCGCG-3'
Protein context (NP_055804.2, residues 460-480): EAPELKAQEP[Leu470Phe]RKQSRLDPSS

ClinVar aggregate classification (germline): Uncertain significance (1 of 4 stars; one submission).

Allele frequency attached by ClinVar (database versions not stated): gnomAD 0.00003 and 0.00004; gnomAD exomes 0.00004 and 0.00007; TOPMed 0.00004; ExAC 0.00011.
gnomAD v4.1: 65 of 1,564,944 alleles (0.0042%); highest among the groups gnomAD compares: Middle Eastern, 0.033%; no homozygotes.

Submission:

Labcorp Genetics (formerly Invitae), Labcorp
Classification: Uncertain significance. Last evaluated: 2025-06-24. Review status: criteria provided, single submitter. Criteria: Invitae Variant Classification Sherloc (09022015). Collection method: clinical testing. Allele origin: germline.
Comment: This sequence change replaces leucine, which is neutral and non-polar, with phenylalanine, which is neutral and non-polar, at codon 470 of the RIMS1 protein (p.Leu470Phe). This variant is present in population databases (rs771801671, gnomAD 0.02%). This missense change has been observed in individual(s) with clinical features of RIMS1-related conditions (PMID: 32483926). ClinVar contains an entry for this variant (Variation ID: 1436514). An algorithm developed to predict the effect of missense changes on protein structure and function outputs the following: PolyPhen-2: "Benign". The phenylalanine amino acid residue is found in multiple mammalian species, which suggests that this missense change does not adversely affect protein function. In summary, the available evidence is currently insufficient to determine the role of this variant in disease. Therefore, it has been classified as a Variant of Uncertain Significance.

Literature cited by the submitters: PubMed 32483926.